The following is an entry in ClinVar:

NM_032444.4(SLX4):c.2881C>A (p.Pro961Thr)

Gene: SLX4 (SLX4 structure-specific endonuclease subunit; minus strand). Cytogenetic location: 16p13.3.
Variant type: single nucleotide variant.
Coding change: c.2881C>A on transcript NM_032444.4 (MANE Select); coding-DNA position 2881, C replaced by A.
Protein change: p.Pro961Thr; replaces proline 961 with threonine.
Molecular consequence: missense variant.
Genome position (GRCh38, 1-based): chr16:3,590,757, G>T on the plus strand (C>A on the coding strand, the complement: SLX4 is on the minus strand). VCF-style: chr16-3590757-G-T. GRCh37 (hg19) VCF-style: chr16-3640758-G-T.
Other names: short protein forms P961T.
Identifiers: ClinVar variation 1352882 (VCV001352882.8), dbSNP rs2151124871, ClinGen allele CA394522572.

ClinVar aggregate classification (germline): Uncertain significance (1 of 4 stars; one submission).

Conditions:
Fanconi anemia (FA). Also called: Fanconi's anemia. Identifiers: Orphanet 84, MedGen C0015625, MeSH D005199, MONDO:0019391.

Submission:

Labcorp Genetics (formerly Invitae), Labcorp
Classification: Uncertain significance for Fanconi anemia. Last evaluated: 2021-05-10. Review status: criteria provided, single submitter. Criteria: Invitae Variant Classification Sherloc (09022015). Collection method: clinical testing. Allele origin: germline.
Comment: This sequence change replaces proline with threonine at codon 961 of the SLX4 protein (p.Pro961Thr). The proline residue is weakly conserved and there is a small physicochemical difference between proline and threonine. This variant is not present in population databases (ExAC no frequency). This variant has not been reported in the literature in individuals with SLX4-related conditions. Algorithms developed to predict the effect of missense changes on protein structure and function are either unavailable or do not agree on the potential impact of this missense change (SIFT: "Tolerated"; PolyPhen-2: "Possibly Damaging"; Align-GVGD: "Class C0"). In summary, the available evidence is currently insufficient to determine the role of this variant in disease. Therefore, it has been classified as a Variant of Uncertain Significance.